The following is an entry in ClinVar:

ClinVar aggregate classification (germline): Uncertain significance (1 of 4 stars; one submission).

Conditions:
Hereditary cancer-predisposing syndrome. Also called: Neoplastic Syndromes, Hereditary; Tumor predisposition; Hereditary Cancer Syndrome; Hereditary neoplastic syndrome. Identifiers: Orphanet 140162, MedGen C0027672, MeSH D009386, MONDO:0015356.

Submission:

Ambry Genetics
Classification: Uncertain significance for Hereditary cancer-predisposing syndrome. Last evaluated: 2024-11-28. Review status: criteria provided, single submitter. Criteria: Ambry Variant Classification Scheme 2023. Collection method: clinical testing. Allele origin: germline.
Comment: The p.T610I variant (also known as c.1829C>T), located in coding exon 5 of the PALB2 gene, results from a C to T substitution at nucleotide position 1829. The threonine at codon 610 is replaced by isoleucine, an amino acid with similar properties. This amino acid position is conserved. In addition, this alteration is predicted to be tolerated by in silico analysis. Based on the available evidence, the clinical significance of this variant remains unclear.

NM_024675.4(PALB2):c.1829C>T (p.Thr610Ile)

Gene: PALB2 (partner and localizer of BRCA2; minus strand). Cytogenetic location: 16p12.2.
Variant type: single nucleotide variant.
Coding change: c.1829C>T on transcript NM_024675.4 (MANE Select); coding-DNA position 1829, C replaced by T.
Protein change: p.Thr610Ile; replaces threonine 610 with isoleucine.
Molecular consequence: missense variant. On other transcripts: intron variant (1).
Genome position (GRCh38, 1-based): chr16:23,630,325, G>A on the plus strand (C>T on the coding strand, the complement: PALB2 is on the minus strand). VCF-style: chr16-23630325-G-A. GRCh37 (hg19) VCF-style: chr16-23641646-G-A.
Other names: c.1769C>T, p.Thr590Ile (NM_001407296.1); c.1829C>T, p.Thr610Ile (NM_001407297.1, NM_001407298.1, NM_001407299.1 and 3 more transcripts); c.944C>T, p.Thr315Ile (NM_001407304.1, NM_001407305.1, NM_001407306.1 and 5 more transcripts); c.41C>T, p.Thr14Ile (NM_001407312.1, NM_001407313.1); c.49-1050C>T (NM_001407314.1); short protein forms T14I, T315I, T590I, T610I.
Identifiers: ClinVar variation 3413504 (VCV003413504.1).